The following is an entry in ClinVar:

NM_198317.3(KLHL17):c.1700+17_1700+49del

Gene: KLHL17 (kelch like family member 17; plus strand). Cytogenetic location: 1p36.33.
Variant type: Deletion.
Coding change: c.1700+17_1700+49del on transcript NM_198317.3 (MANE Select); bases 17 to 49 of the intron after coding-DNA position 1700, 33 bases deleted.
Molecular consequence: splice donor variant.
Genome position (GRCh38, 1-based): chr1:964,547-964,579, 33 bases deleted; deleting any 33 consecutive bases within chr1:964,530-964,579 gives the same sequence; the c. name uses the placement nearest the transcript's 3' end. GRCh37 (hg19): chr1:899,927-899,959.
Identifiers: ClinVar variation 2015602 (VCV002015602.11), dbSNP rs777699810, ClinGen allele CA505904.

ClinVar aggregate classification (germline): Benign/Likely benign. Review status: criteria provided, multiple submitters, no conflicts (2 of 4 stars). 2 submissions from 2 submitters: Benign (1); Likely benign (1). Last evaluated 2026-07-01.

Submissions (2):

CeGaT Center for Human Genetics Tuebingen
Classification: Likely benign. Last evaluated: 2026-07-01. Review status: criteria provided, single submitter. Criteria: CeGaT Center For Human Genetics Tuebingen Variant Classification Criteria Version 2. Collection method: clinical testing. Allele origin: germline. Affected: yes. Observed: 4 variant alleles.
Comment: KLHL17: PP3, BS2

Labcorp Genetics (formerly Invitae), Labcorp
Classification: Benign. Last evaluated: 2024-07-24. Review status: criteria provided, single submitter. Criteria: Invitae Variant Classification Sherloc (09022015). Collection method: clinical testing. Allele origin: germline.